The following is an entry in ClinVar:

NM_001009999.3(KDM1A):c.1185T>C (p.Pro395=)

Gene: KDM1A (lysine demethylase 1A; plus strand). Cytogenetic location: 1p36.12.
Variant type: single nucleotide variant.
Coding change: c.1185T>C on transcript NM_001009999.3 (MANE Select); coding-DNA position 1185, T replaced by C.
Protein change: p.Pro395=; no amino-acid change (proline 395 retained).
Molecular consequence: synonymous variant.
Genome position (GRCh38, 1-based): chr1:23,068,544, T>C. VCF-style: chr1-23068544-T-C. GRCh37 (hg19) VCF-style: chr1-23395037-T-C.
Other names: c.1113T>C, p.Pro371= (NM_001363654.2, NM_015013.4).
Identifiers: ClinVar variation 720857 (VCV000720857.14), dbSNP rs145865107, ClinGen allele CA679696.
Genomic context (GRCh38, chr1:23,068,544, plus strand): 5'-GGATGGTTATGTTTAGTTTTATAAGGACCAACTCTGCTATACTTCGGATTTTCAGGTTCC[T>C]AAAGAGAAAGATGAAATGGTAGAGCAAGAGTTTAACCGGTTGCTAGAAGCTACATCTTAC-3'
Protein context (NP_001009999.1, residues 385-405): ANGQADTVKV[Pro395=]KEKDEMVEQE

ClinVar aggregate classification (germline): Benign/Likely benign. Review status: criteria provided, multiple submitters, no conflicts (2 of 4 stars). 5 submissions from 5 submitters: Benign (2); Likely benign (2). 1 of the submissions does not count toward it. Last evaluated 2026-01-08.

Conditions:
KDM1A-related disorder. Also called: KDM1A-related condition.
Inborn genetic diseases. Identifiers: MedGen C0950123, MeSH D030342.

Allele frequency attached by ClinVar (database versions not stated): gnomAD exomes 0.00023 and 0.00077; ExAC 0.00100; gnomAD 0.00267 and 0.00285; TOPMed 0.00308; ESP Exome Variant Server 0.00323; 1000 Genomes Project 30x 0.00422; 1000 Genomes Project 0.00439.
gnomAD v4.1: 753 of 1,577,040 alleles (0.048%); highest among the groups gnomAD compares: African/African-American, 0.88%; 6 homozygotes.

Submissions (5):

Labcorp Genetics (formerly Invitae), Labcorp
Classification: Benign. Last evaluated: 2026-01-08. Review status: criteria provided, single submitter. Criteria: Invitae Variant Classification Sherloc (09022015). Collection method: clinical testing. Allele origin: germline.

Ambry Genetics
Classification: Likely benign for Inborn genetic diseases. Last evaluated: 2024-10-04. Review status: criteria provided, single submitter. Criteria: Ambry Variant Classification Scheme 2023. Collection method: clinical testing. Allele origin: germline.

Blueprint Genetics
Classification: Likely benign. Last evaluated: 2024-09-16. Review status: criteria provided, single submitter. Criteria: ACMG Guidelines, 2015. Collection method: clinical testing. Allele origin: germline.

Breakthrough Genomics
Classification: Benign. Review status: criteria provided, single submitter. Criteria: ACMG Guidelines, 2015. Collection method: not provided. Allele origin: germline. Inheritance: Autosomal dominant inheritance. Affected: yes.

PreventionGenetics, part of Exact Sciences
Classification: Benign for KDM1A-related condition. Last evaluated: 2019-10-28. Review status: no assertion criteria provided. Collection method: clinical testing. Allele origin: germline. Not counted in ClinVar's aggregate classification.
Comment: This variant is classified as benign based on ACMG/AMP sequence variant interpretation guidelines (Richards et al. 2015 PMID: 25741868, with internal and published modifications).